The following is an entry in ClinVar:

ClinVar aggregate classification (germline): Uncertain significance (1 of 4 stars; one submission).

Submission:

Labcorp Genetics (formerly Invitae), Labcorp
Classification: Uncertain significance. Last evaluated: 2025-05-30. Review status: criteria provided, single submitter. Criteria: Invitae Variant Classification Sherloc (09022015). Collection method: clinical testing. Allele origin: germline.
Comment: This sequence change replaces glycine, which is neutral and non-polar, with arginine, which is basic and polar, at codon 239 of the MCM5 protein (p.Gly239Arg). This variant is not present in population databases (gnomAD no frequency). This variant has not been reported in the literature in individuals affected with MCM5-related conditions. Invitae Evidence Modeling of protein sequence and biophysical properties (such as structural, functional, and spatial information, amino acid conservation, physicochemical variation, residue mobility, and thermodynamic stability) has been performed for this missense variant. However, the output from this modeling did not meet the statistical confidence thresholds required to predict the impact of this variant on MCM5 protein function. In summary, the available evidence is currently insufficient to determine the role of this variant in disease. Therefore, it has been classified as a Variant of Uncertain Significance.

NM_006739.4(MCM5):c.715G>A (p.Gly239Arg)

Gene: MCM5 (minichromosome maintenance complex component 5; plus strand). Cytogenetic location: 22q12.3.
Variant type: single nucleotide variant.
Coding change: c.715G>A on transcript NM_006739.4 (MANE Select); coding-DNA position 715, G replaced by A.
Protein change: p.Gly239Arg; replaces glycine 239 with arginine.
Molecular consequence: missense variant.
Genome position (GRCh38, 1-based): chr22:35,408,526, G>A. VCF-style: chr22-35408526-G-A. GRCh37 (hg19) VCF-style: chr22-35804519-G-A.
Other names: short protein forms G239R.
Identifiers: ClinVar variation 4704441 (VCV004704441.1).